The following is an entry in ClinVar:

NM_004260.4(RECQL4):c.544C>T (p.Arg182Trp)

Gene: RECQL4 (RecQ like helicase 4; minus strand). Cytogenetic location: 8q24.3.
Variant type: single nucleotide variant.
Coding change: c.544C>T on transcript NM_004260.4 (MANE Select); coding-DNA position 544, C replaced by T.
Protein change: p.Arg182Trp; replaces arginine 182 with tryptophan.
Molecular consequence: missense variant.
Genome position (GRCh38, 1-based): chr8:144,516,575, G>A on the plus strand (C>T on the coding strand, the complement: RECQL4 is on the minus strand). VCF-style: chr8-144516575-G-A. GRCh37 (hg19) VCF-style: chr8-145741959-G-A.
Other names: short protein forms R182W.
Identifiers: ClinVar variation 459503 (VCV000459503.9), dbSNP rs750986351, ClinGen allele CA4949256.

ClinVar aggregate classification (germline): Uncertain significance. Review status: criteria provided, multiple submitters, no conflicts (2 of 4 stars). 2 submissions from 2 submitters: Uncertain significance (2). Last evaluated 2025-06-27.

Conditions:
Inborn genetic diseases. Identifiers: MedGen C0950123, MeSH D030342.
Baller-Gerold syndrome (BGS). Also called: CRANIOSYNOSTOSIS WITH RADIAL DEFECTS. Identifiers: Orphanet 1225, MedGen C0265308, MONDO:0009039, OMIM 218600.

Allele frequency attached by ClinVar (database versions not stated): TOPMed 0.00001; gnomAD exomes 0.00002 and 0.00004; ExAC 0.00006.
gnomAD v4.1: 33 of 1,609,452 alleles (0.0021%); highest among the groups gnomAD compares: South Asian, 0.0077%; no homozygotes.

Submissions (2):

Labcorp Genetics (formerly Invitae), Labcorp
Classification: Uncertain significance for Baller-Gerold syndrome. Last evaluated: 2025-06-27. Review status: criteria provided, single submitter. Criteria: Invitae Variant Classification Sherloc (09022015). Collection method: clinical testing. Allele origin: germline.
Comment: This sequence change replaces arginine, which is basic and polar, with tryptophan, which is neutral and slightly polar, at codon 182 of the RECQL4 protein (p.Arg182Trp). This variant is present in population databases (rs750986351, gnomAD 0.008%). This variant has not been reported in the literature in individuals affected with RECQL4-related conditions. ClinVar contains an entry for this variant (Variation ID: 459503). Invitae Evidence Modeling of protein sequence and biophysical properties (such as structural, functional, and spatial information, amino acid conservation, physicochemical variation, residue mobility, and thermodynamic stability) indicates that this missense variant is expected to disrupt RECQL4 protein function with a positive predictive value of 80%. In summary, the available evidence is currently insufficient to determine the role of this variant in disease. Therefore, it has been classified as a Variant of Uncertain Significance.

Ambry Genetics
Classification: Uncertain significance for Inborn genetic diseases. Last evaluated: 2024-11-21. Review status: criteria provided, single submitter. Criteria: Ambry Variant Classification Scheme 2023. Collection method: clinical testing. Allele origin: germline.
Comment: The p.R182W variant (also known as c.544C>T), located in coding exon 5 of the RECQL4 gene, results from a C to T substitution at nucleotide position 544. The arginine at codon 182 is replaced by tryptophan, an amino acid with dissimilar properties. This amino acid position is conserved. In addition, this alteration is predicted to be tolerated by in silico analysis. Based on the available evidence, the clinical significance of this variant remains unclear.